The following is an entry in ClinVar:

NM_001042492.3(NF1):c.1607C>G (p.Ser536Ter)

Gene: NF1 (neurofibromin 1; plus strand). Cytogenetic location: 17q11.2.
Variant type: single nucleotide variant.
Coding change: c.1607C>G on transcript NM_001042492.3 (MANE Select); coding-DNA position 1607, C replaced by G.
Protein change: p.Ser536Ter; replaces serine 536 with a stop codon.
Molecular consequence: nonsense.
Genome position (GRCh38, 1-based): chr17:31,219,084, C>G. VCF-style: chr17-31219084-C-G. GRCh37 (hg19) VCF-style: chr17-29546102-C-G.
Other names: c.1607C>G, p.Ser536Ter (NM_000267.4, NM_001128147.3); short protein forms S536*.
Identifiers: ClinVar variation 547597 (VCV000547597.9), dbSNP rs1555612859, ClinGen allele CA399001994.

ClinVar aggregate classification (germline): Pathogenic/Likely pathogenic. Review status: criteria provided, multiple submitters, no conflicts (2 of 4 stars). 4 submissions from 4 submitters: Pathogenic (2); Likely pathogenic (2). Last evaluated 2025-01-31.

Conditions:
Neurofibromatosis, type 1 (NF1). Also called: NEUROFIBROMATOSIS, TYPE I, SOMATIC; VON RECKLINGHAUSEN DISEASE; Peripheral type neurofibromatosis; Neurofibromatosis, type I. Identifiers: Orphanet 636, MedGen C0027831, MONDO:0018975, OMIM 162200. Disease mechanism: loss of function.

Submissions (4):

GeneDx
Classification: Pathogenic. Last evaluated: 2025-01-31. Review status: criteria provided, single submitter. Criteria: GeneDx Variant Classification Process June 2021. Collection method: clinical testing. Allele origin: germline. Affected: yes.
Comment: Nonsense variant predicted to result in protein truncation or nonsense mediated decay in a gene for which loss of function is a known mechanism of disease; Not observed at significant frequency in large population cohorts (gnomAD); This variant is associated with the following publications: (PMID: 30530636)

Genome-Nilou Lab
Classification: Likely pathogenic for Neurofibromatosis, type 1. Last evaluated: 2022-03-15. Review status: criteria provided, single submitter. Criteria: ACMG Guidelines, 2015. Collection method: clinical testing. Allele origin: germline. Affected: no.

Labcorp Genetics (formerly Invitae), Labcorp
Classification: Pathogenic for Neurofibromatosis, type 1. Last evaluated: 2021-03-12. Review status: criteria provided, single submitter. Criteria: Invitae Variant Classification Sherloc (09022015). Collection method: clinical testing. Allele origin: germline.
Comment: For these reasons, this variant has been classified as Pathogenic. This variant has been observed in individual(s) with neurofibromatosis type 1 (PMID: 30530636). ClinVar contains an entry for this variant (Variation ID: 547597). This variant is not present in population databases (ExAC no frequency). This sequence change creates a premature translational stop signal (p.Ser536*) in the NF1 gene. It is expected to result in an absent or disrupted protein product. Loss-of-function variants in NF1 are known to be pathogenic (PMID: 10712197, 23913538).

Center for Human Genetics, Inc
Classification: Likely pathogenic for Neurofibromatosis, type 1. Last evaluated: 2016-11-01. Review status: criteria provided, single submitter. Criteria: ACMG Guidelines, 2015. Collection method: clinical testing. Allele origin: germline. Affected: yes.

Literature cited by the submitters: PubMed 30530636 (cited by Labcorp Genetics (formerly Invitae), Labcorp); PubMed 10712197 (cited by Labcorp Genetics (formerly Invitae), Labcorp); PubMed 23913538 (cited by Labcorp Genetics (formerly Invitae), Labcorp).